The following is an entry in ClinVar:

NM_014989.7(RIMS1):c.4186A>G (p.Met1396Val)

Gene: RIMS1 (regulating synaptic membrane exocytosis 1; plus strand). Cytogenetic location: 6q13.
Variant type: single nucleotide variant.
Coding change: c.4186A>G on transcript NM_014989.7 (MANE Select); coding-DNA position 4186, A replaced by G.
Protein change: p.Met1396Val; replaces methionine 1396 with valine.
Molecular consequence: missense variant. On other transcripts: intron variant (24).
Genome position (GRCh38, 1-based): chr6:72,333,655, A>G. VCF-style: chr6-72333655-A-G. GRCh37 (hg19) VCF-style: chr6-73043358-A-G.
Other names: c.2146A>G, p.Met716Val (NM_001168407.2); c.2107A>G, p.Met703Val (NM_001350414.2); c.2203A>G, p.Met735Val (NM_001350415.2); c.2152A>G, p.Met718Val (NM_001350416.2); c.2125A>G, p.Met709Val (NM_001350418.2); c.2260A>G, p.Met754Val (NM_001350420.2); c.2005A>G, p.Met669Val (NM_001350421.2); c.1894A>G, p.Met632Val (NM_001350423.2); and 53 more; short protein forms M1396V, M641V, M665V, M699V, M703V, M709V, M754V, M778V.
Identifiers: ClinVar variation 954678 (VCV000954678.9), dbSNP rs200994612, ClinGen allele CA140893836.
Genomic context (GRCh38, chr6:72,333,655, plus strand): 5'-TATAGTTCATTTACCCCCAAAATGCAAGGCAGACGGATGGGGACTTCAGGAAGATCCATC[A>G]TGAAGAGCACCAGTGTCAGTGGAGAGATGTACACACTGGAGCATAATGACGGCAGCCAGT-3'
Protein context (NP_055804.2, residues 1386-1406): RRMGTSGRSI[Met1396Val]KSTSVSGEMY

ClinVar aggregate classification (germline): Uncertain significance (1 of 4 stars; one submission).

Allele frequency attached by ClinVar (database versions not stated): gnomAD 0.00002 and 0.00006; TOPMed 0.00003; 1000 Genomes Project 30x 0.00031; gnomAD exomes 0.00005; 1000 Genomes Project 0.00020.

Submission:

Labcorp Genetics (formerly Invitae), Labcorp
Classification: Uncertain significance. Last evaluated: 2024-03-26. Review status: criteria provided, single submitter. Criteria: Invitae Variant Classification Sherloc (09022015). Collection method: clinical testing. Allele origin: germline.
Comment: This sequence change replaces methionine, which is neutral and non-polar, with valine, which is neutral and non-polar, at codon 1396 of the RIMS1 protein (p.Met1396Val). This variant is present in population databases (rs200994612, gnomAD 0.006%). This missense change has been observed in individuals with clinical features of RIMS1-related conditions (Invitae). ClinVar contains an entry for this variant (Variation ID: 954678). An algorithm developed to predict the effect of missense changes on protein structure and function (PolyPhen-2) suggests that this variant is likely to be tolerated. In summary, the available evidence is currently insufficient to determine the role of this variant in disease. Therefore, it has been classified as a Variant of Uncertain Significance.